The following is an entry in ClinVar:

ClinVar aggregate classification (germline): Uncertain significance (1 of 4 stars; one submission).

Conditions:
Primary ciliary dyskinesia 27. Also called: CILIARY DYSKINESIA, PRIMARY, 27, WITHOUT SITUS INVERSUS. Identifiers: Orphanet 244, MedGen C3809701, MONDO:0014215, OMIM 615504.

Allele frequency attached by ClinVar (database versions not stated): gnomAD 0.00001; TOPMed 0.00001.
gnomAD v4.1: 9 of 1,613,988 alleles (0.00056%); highest among the groups gnomAD compares: Admixed American, 0.0017%; no homozygotes.

Submission:

Labcorp Genetics (formerly Invitae), Labcorp
Classification: Uncertain significance for Primary ciliary dyskinesia 27. Last evaluated: 2022-07-12. Review status: criteria provided, single submitter. Criteria: Invitae Variant Classification Sherloc (09022015). Collection method: clinical testing. Allele origin: germline.
Comment: Algorithms developed to predict the effect of missense changes on protein structure and function output the following: SIFT: "Tolerated"; PolyPhen-2: "Benign"; Align-GVGD: "Class C0". The aspartic acid amino acid residue is found in multiple mammalian species, which suggests that this missense change does not adversely affect protein function. In summary, the available evidence is currently insufficient to determine the role of this variant in disease. Therefore, it has been classified as a Variant of Uncertain Significance. ClinVar contains an entry for this variant (Variation ID: 848920). This variant has not been reported in the literature in individuals affected with CCDC65-related conditions. This variant is present in population databases (rs764695480, gnomAD 0.004%). This sequence change replaces glutamic acid, which is acidic and polar, with aspartic acid, which is acidic and polar, at codon 257 of the CCDC65 protein (p.Glu257Asp).

NM_033124.5(DRC2):c.771G>T (p.Glu257Asp)

Gene: DRC2 (dynein regulatory complex subunit 2; plus strand). Cytogenetic location: 12q13.12.
Variant type: single nucleotide variant.
Coding change: c.771G>T on transcript NM_033124.5 (MANE Select); coding-DNA position 771, G replaced by T.
Protein change: p.Glu257Asp; replaces glutamic acid 257 with aspartic acid.
Molecular consequence: missense variant.
Genome position (GRCh38, 1-based): chr12:48,918,436, G>T. VCF-style: chr12-48918436-G-T. GRCh37 (hg19) VCF-style: chr12-49312219-G-T.
Other names: c.342G>T, p.Glu114Asp (NM_001286957.2); short protein forms E114D, E257D.
Identifiers: ClinVar variation 848920 (VCV000848920.9), dbSNP rs764695480, ClinGen allele CA6543326.